The following is an entry in ClinVar:

ClinVar aggregate classification (germline): Uncertain significance. Review status: criteria provided, multiple submitters, no conflicts (2 of 4 stars). 2 submissions from 2 submitters: Uncertain significance (2). Last evaluated 2025-09-27.

Conditions:
Inborn genetic diseases. Identifiers: MedGen C0950123, MeSH D030342.

Allele frequency attached by ClinVar (database versions not stated): gnomAD exomes 0.00002; ExAC 0.00003; TOPMed 0.00006; ESP Exome Variant Server 0.00008; gnomAD 0.00009; 1000 Genomes Project 0.00020; 1000 Genomes Project 30x 0.00031.
gnomAD v4.1: 48 of 1,614,166 alleles (0.003%); highest among the groups gnomAD compares: Admixed American, 0.0067%; no homozygotes.

Submissions (2):

Ambry Genetics
Classification: Uncertain significance for Inborn genetic diseases. Last evaluated: 2025-09-27. Review status: criteria provided, single submitter. Criteria: Ambry Variant Classification Scheme 2023. Collection method: clinical testing. Allele origin: germline.

Labcorp Genetics (formerly Invitae), Labcorp
Classification: Uncertain significance. Last evaluated: 2021-12-17. Review status: criteria provided, single submitter. Criteria: Invitae Variant Classification Sherloc (09022015). Collection method: clinical testing. Allele origin: germline.
Comment: Algorithms developed to predict the effect of missense changes on protein structure and function output the following: SIFT: "Tolerated"; PolyPhen-2: "Benign"; Align-GVGD: "Class C0". The serine amino acid residue is found in multiple mammalian species, which suggests that this missense change does not adversely affect protein function. This variant has not been reported in the literature in individuals affected with DNAH9-related conditions. This variant is present in population databases (rs200530118, gnomAD 0.01%). This sequence change replaces asparagine, which is neutral and polar, with serine, which is neutral and polar, at codon 2933 of the DNAH9 protein (p.Asn2933Ser). In summary, the available evidence is currently insufficient to determine the role of this variant in disease. Therefore, it has been classified as a Variant of Uncertain Significance.

NM_001372.4(DNAH9):c.8798A>G (p.Asn2933Ser)

Gene: DNAH9 (dynein axonemal heavy chain 9; plus strand). Cytogenetic location: 17p12.
Variant type: single nucleotide variant.
Coding change: c.8798A>G on transcript NM_001372.4 (MANE Select); coding-DNA position 8798, A replaced by G.
Protein change: p.Asn2933Ser; replaces asparagine 2933 with serine.
Molecular consequence: missense variant.
Genome position (GRCh38, 1-based): chr17:11,822,010, A>G. VCF-style: chr17-11822010-A-G. GRCh37 (hg19) VCF-style: chr17-11725327-A-G.
Other names: c.8798A>G (NM_001372.3); short protein forms N2933S.
Identifiers: ClinVar variation 1904291 (VCV001904291.6), dbSNP rs200530118, ClinGen allele CA8397040.